The following is an entry in ClinVar:

NM_024675.4(PALB2):c.2920A>C (p.Lys974Gln)

Gene: PALB2 (partner and localizer of BRCA2; minus strand). Cytogenetic location: 16p12.2.
Variant type: single nucleotide variant.
Coding change: c.2920A>C on transcript NM_024675.4 (MANE Select); coding-DNA position 2920, A replaced by C.
Protein change: p.Lys974Gln; replaces lysine 974 with glutamine.
Molecular consequence: missense variant. On other transcripts: intron variant (1).
Genome position (GRCh38, 1-based): chr16:23,623,045, T>G on the plus strand (A>C on the coding strand, the complement: PALB2 is on the minus strand). VCF-style: chr16-23623045-T-G. GRCh37 (hg19) VCF-style: chr16-23634366-T-G.
Other names: c.2758A>C, p.Lys920Gln (NM_001407302.1, NM_001407298.1); c.2035A>C, p.Lys679Gln (NM_001407304.1, NM_001407305.1, NM_001407306.1 and 4 more transcripts); c.1873A>C, p.Lys625Gln (NM_001407307.1); c.1132A>C, p.Lys378Gln (NM_001407312.1, NM_001407313.1); c.454A>C, p.Lys152Gln (NM_001407314.1); c.2834+964A>C (NM_001407300.1); c.2860A>C, p.Lys954Gln (NM_001407296.1); c.2848A>C, p.Lys950Gln (NM_001407297.1); and 1 more; short protein forms K679Q, K152Q, K920Q, K954Q, K378Q, K625Q, K974Q, K950Q.
Identifiers: ClinVar variation 4742287 (VCV004742287.1).

ClinVar aggregate classification (germline): Uncertain significance (1 of 4 stars; one submission).

Conditions:
Familial cancer of breast. Also called: BREAST CANCER, FAMILIAL; Hereditary breast cancer; hereditary breast carcinoma. Identifiers: Orphanet 227535, MedGen C0346153, MONDO:0016419, OMIM 114480. Disease mechanism: loss of function.

Submission:

Labcorp Genetics (formerly Invitae), Labcorp
Classification: Uncertain significance for Familial cancer of breast. Last evaluated: 2025-04-09. Review status: criteria provided, single submitter. Criteria: Invitae Variant Classification Sherloc (09022015). Collection method: clinical testing. Allele origin: germline.
Comment: This sequence change replaces lysine, which is basic and polar, with glutamine, which is neutral and polar, at codon 974 of the PALB2 protein (p.Lys974Gln). This variant is not present in population databases (gnomAD no frequency). This variant has not been reported in the literature in individuals affected with PALB2-related conditions. Invitae Evidence Modeling of protein sequence and biophysical properties (such as structural, functional, and spatial information, amino acid conservation, physicochemical variation, residue mobility, and thermodynamic stability) indicates that this missense variant is not expected to disrupt PALB2 protein function with a negative predictive value of 80%. In summary, the available evidence is currently insufficient to determine the role of this variant in disease. Therefore, it has been classified as a Variant of Uncertain Significance.